The following is an entry in ClinVar:

ClinVar aggregate classification (germline): Pathogenic/Likely pathogenic. Review status: criteria provided, multiple submitters, no conflicts (2 of 4 stars). 2 submissions from 2 submitters: Pathogenic (1); Likely pathogenic (1). Last evaluated 2023-12-14.

Conditions:
Bardet-Biedl syndrome (BBS). Identifiers: Orphanet 110, MedGen C0752166, MONDO:0015229.
Bardet-Biedl syndrome 10 (BBS10). Identifiers: Orphanet 110, MedGen C1859568, MONDO:0014438, OMIM 615987.

Submissions (2):

Labcorp Genetics (formerly Invitae), Labcorp
Classification: Pathogenic for Bardet-Biedl syndrome. Last evaluated: 2023-12-14. Review status: criteria provided, single submitter. Criteria: Invitae Variant Classification Sherloc (09022015). Collection method: clinical testing. Allele origin: germline.
Comment: This sequence change creates a premature translational stop signal (p.Thr568Tyrfs*2) in the BBS10 gene. While this is not anticipated to result in nonsense mediated decay, it is expected to disrupt the last 156 amino acid(s) of the BBS10 protein. This variant is not present in population databases (gnomAD no frequency). This variant has not been reported in the literature in individuals affected with BBS10-related conditions. This variant disrupts a region of the BBS10 protein in which other variant(s) (p.Val707*) have been determined to be pathogenic (PMID: 20472660, 22773737, 25982971, 27486776). This suggests that this is a clinically significant region of the protein, and that variants that disrupt it are likely to be disease-causing. For these reasons, this variant has been classified as Pathogenic.

Baylor Genetics
Classification: Likely pathogenic for Bardet-Biedl syndrome 10. Last evaluated: 2022-10-20. Review status: criteria provided, single submitter. Criteria: ACMG Guidelines, 2015. Collection method: clinical testing. Allele origin: unknown.

Literature cited by the submitters: PubMed 20472660 (cited by Labcorp Genetics (formerly Invitae), Labcorp); PubMed 22773737 (cited by Labcorp Genetics (formerly Invitae), Labcorp); PubMed 25982971 (cited by Labcorp Genetics (formerly Invitae), Labcorp); PubMed 27486776 (cited by Labcorp Genetics (formerly Invitae), Labcorp).

NM_024685.4(BBS10):c.1701dup (p.Thr568fs)

Gene: BBS10 (Bardet-Biedl syndrome 10; minus strand). Cytogenetic location: 12q21.2.
Variant type: Duplication.
Coding change: c.1701dup on transcript NM_024685.4 (MANE Select); coding-DNA position 1701, one base duplicated (T; older notation c.1701dupT).
Protein change: p.Thr568fs; shifts the reading frame from threonine 568.
Molecular consequence: frameshift variant.
Genome position (GRCh38, 1-based): chr12:76,346,284, A duplicated on the plus strand (T on the coding strand, the reverse complement: BBS10 is on the minus strand); the first of 2 consecutive A bases (chr12:76,346,284-76,346,285); duplicating either gives the same sequence. VCF-style (leftmost placement, unchanged base first): chr12-76346283-T-TA. GRCh37 (hg19) VCF-style: chr12-76740063-T-TA.
Other names: short protein forms T568fs.
Identifiers: ClinVar variation 2679980 (VCV002679980.4), dbSNP rs2540955346, ClinGen allele CA2695199109.